The following is an entry in ClinVar:

ClinVar aggregate classification (germline): Uncertain significance (1 of 4 stars; one submission).

Conditions:
Hereditary cancer-predisposing syndrome. Also called: Hereditary Cancer Syndrome; Tumor predisposition; Neoplastic Syndromes, Hereditary; Hereditary neoplastic syndrome. Identifiers: Orphanet 140162, MedGen C0027672, MeSH D009386, MONDO:0015356.

Submission:

Ambry Genetics
Classification: Uncertain significance for Hereditary cancer-predisposing syndrome. Last evaluated: 2026-02-05. Review status: criteria provided, single submitter. Criteria: Ambry Variant Classification Scheme 2023. Collection method: clinical testing. Allele origin: germline.
Comment: The c.4681delC variant, located in coding exon 36 of the POLE gene, results from a deletion of one nucleotide at nucleotide position 4681, causing a translational frameshift with a predicted alternate stop codon (p.L1561*). This alteration is expected to result in loss of function by premature protein truncation or nonsense-mediated mRNA decay. Although biallelic loss of function of POLE has been associated with autosomal recessive POLE deficiency, haploinsufficiency of POLE has not been established as a mechanism of disease for POLE-related polymerase proofreading-associated polyposis (PPAP) and POLE-related CMMRD-like syndrome. Based on the supporting evidence, this variant is expected to be causative of POLE deficiency when present along with a second pathogenic variant on the other allele; however, its clinical significance for PPAP and POLE-related CMMRD-like syndrome is unclear.

NM_006231.4(POLE):c.4681del (p.Asp1560_Leu1561insTer)

Gene: POLE (DNA polymerase epsilon, catalytic subunit; minus strand). Cytogenetic location: 12q24.33.
Variant type: Deletion.
Coding change: c.4681del on transcript NM_006231.4 (MANE Select); coding-DNA position 4681, one base deleted (C; older notation c.4681delC).
Protein change: p.Asp1560_Leu1561insTer.
Molecular consequence: nonsense.
Genome position (GRCh38, 1-based): chr12:132,642,867, G deleted on the plus strand (C on the coding strand, the reverse complement: POLE is on the minus strand); the first of 2 consecutive G bases (chr12:132,642,867-132,642,868); deleting either gives the same sequence. VCF-style (leftmost placement, unchanged base first): chr12-132642866-AG-A. GRCh37 (hg19) VCF-style: chr12-133219452-AG-A.
Identifiers: ClinVar variation 825093 (VCV000825093.5), dbSNP rs1593732129, ClinGen allele CA915946818.